The following is an entry in ClinVar:

ClinVar aggregate classification (germline): Uncertain significance (1 of 4 stars; one submission).

gnomAD v4.1: 2 of 1,612,822 alleles (0.00012%); highest among the groups gnomAD compares: Admixed American, 0.0017%; no homozygotes.

Submission:

GeneDx
Classification: Uncertain significance. Last evaluated: 2024-06-13. Review status: criteria provided, single submitter. Criteria: GeneDx Variant Classification Process June 2021. Collection method: clinical testing. Allele origin: germline. Affected: yes.
Comment: Not observed at significant frequency in large population cohorts (gnomAD); Missense variant in a gene in which most reported pathogenic variants are truncating/loss-of-function; Located in a region of TTN within the I-band in which the majority of loss of function variants are significantly associated with autosomal dominant titinopathies (PMID: 27625338, 27869827); Has not been previously published as pathogenic or benign to our knowledge

NM_001267550.2(TTN):c.13951A>G (p.Lys4651Glu)

Gene: TTN (titin; minus strand). Cytogenetic location: 2q31.2.
Variant type: single nucleotide variant.
Coding change: c.13951A>G on transcript NM_001267550.2 (MANE Select); coding-DNA position 13951, A replaced by G.
Protein change: p.Lys4651Glu; replaces lysine 4651 with glutamic acid.
Molecular consequence: missense variant. On other transcripts: intron variant (1).
Genome position (GRCh38, 1-based): chr2:178,739,282, T>C on the plus strand (A>G on the coding strand, the complement: TTN is on the minus strand). VCF-style: chr2-178739282-T-C. GRCh37 (hg19) VCF-style: chr2-179604009-T-C.
Other names: c.13000A>G, p.Lys4334Glu (NM_001256850.1); c.12862A>G, p.Lys4288Glu (NM_003319.4); c.13237A>G, p.Lys4413Glu (NM_133432.3); c.13438A>G, p.Lys4480Glu (NM_133437.4); c.10361-922A>G (NM_133378.4); short protein forms K4288E, K4334E, K4413E, K4480E, K4651E.
Identifiers: ClinVar variation 3390599 (VCV003390599.1).